The following is an entry in ClinVar:

NM_152564.5(VPS13B):c.8134T>C (p.Leu2712=)

Gene: VPS13B (vacuolar protein sorting 13 homolog B; plus strand). Cytogenetic location: 8q22.2.
Variant type: single nucleotide variant.
Coding change: c.8134T>C on transcript NM_152564.5 (MANE Select); coding-DNA position 8134, T replaced by C.
Protein change: p.Leu2712=; no amino-acid change (leucine 2712 retained).
Molecular consequence: synonymous variant.
Genome position (GRCh38, 1-based): chr8:99,817,576, T>C. VCF-style: chr8-99817576-T-C. GRCh37 (hg19) VCF-style: chr8-100829804-T-C.
Other names: c.8209T>C, p.Leu2737= (NM_017890.5).
Identifiers: ClinVar variation 2658707 (VCV002658707.24), dbSNP rs2492005596, ClinGen allele CA462457390.

ClinVar aggregate classification (germline): Likely benign (1 of 4 stars; one submission).

Submission:

CeGaT Center for Human Genetics Tuebingen
Classification: Likely benign. Last evaluated: 2023-10-01. Review status: criteria provided, single submitter. Criteria: CeGaT Center For Human Genetics Tuebingen Variant Classification Criteria Version 2. Collection method: clinical testing. Allele origin: germline. Affected: yes. Observed: 1 variant allele.
Comment: VPS13B: PM2:Supporting, BP4, BP7